The following is an entry in ClinVar:

ClinVar aggregate classification (germline): Likely benign (1 of 4 stars; one submission).

Submission:

CeGaT Center for Human Genetics Tuebingen
Classification: Likely benign. Last evaluated: 2023-09-01. Review status: criteria provided, single submitter. Criteria: CeGaT Center For Human Genetics Tuebingen Variant Classification Criteria Version 2. Collection method: clinical testing. Allele origin: germline. Affected: yes. Observed: 1 variant allele.
Comment: BRIP1: PM2:Supporting, BP4, BP7

NM_032043.3(BRIP1):c.2052C>T (p.Cys684=)

Gene: BRIP1 (BRCA1 interacting DNA helicase 1; minus strand). Cytogenetic location: 17q23.2.
Variant type: single nucleotide variant.
Coding change: c.2052C>T on transcript NM_032043.3 (MANE Select); coding-DNA position 2052, C replaced by T.
Protein change: p.Cys684=; no amino-acid change (cysteine 684 retained).
Molecular consequence: synonymous variant.
Genome position (GRCh38, 1-based): chr17:61,776,446, G>A on the plus strand (C>T on the coding strand, the complement: BRIP1 is on the minus strand). VCF-style: chr17-61776446-G-A. GRCh37 (hg19) VCF-style: chr17-59853807-G-A.
Identifiers: ClinVar variation 2648001 (VCV002648001.24), dbSNP rs2145028055, ClinGen allele CA501150144.